The following is an entry in ClinVar:

ClinVar aggregate classification (germline): Likely benign. Review status: criteria provided, multiple submitters, no conflicts (2 of 4 stars). 4 submissions from 4 submitters: Likely benign (4). Last evaluated 2025-09-23.

Conditions:
Inborn genetic diseases. Identifiers: MedGen C0950123, MeSH D030342.

Allele frequency attached by ClinVar (database versions not stated): gnomAD exomes 0.00018; ExAC 0.00029; ESP Exome Variant Server 0.00054; gnomAD 0.00064 and 0.00067; 1000 Genomes Project 30x 0.00078; 1000 Genomes Project 0.00080; TOPMed 0.00082.
gnomAD v4.1: 217 of 1,604,786 alleles (0.014%); highest among the groups gnomAD compares: African/African-American, 0.22%; no homozygotes.

Submissions (4):

Women's Health and Genetics/Laboratory Corporation of America, LabCorp
Classification: Likely benign. Last evaluated: 2025-09-23. Review status: criteria provided, single submitter. Criteria: LabCorp Variant Classification Summary - May 2015. Collection method: clinical testing. Allele origin: germline.
Comment: Variant summary: LAMA1 c.3523G>A (p.Asp1175Asn) results in a conservative amino acid change in the encoded protein sequence. Algorithms developed to predict the effect of missense changes on protein structure and function all suggest that this variant is likely to be tolerated. The variant allele was found at a frequency of 0.00018 in 233692 control chromosomes, predominantly at a frequency of 0.0024 within the African or African-American subpopulation in the gnomAD database. This frequency is close to the estimated maximum for disease-causing variants in LAMA1, suggesting a benign role for he variant. To our knowledge, no occurrence of c.3523G>A in individuals affected with LAMA1-related conditions and no experimental evidence demonstrating its impact on protein function have been reported. ClinVar contains an entry for this variant (Variation ID: 738736). Based on the evidence outlined above, the variant was classified as likely benign.

Labcorp Genetics (formerly Invitae), Labcorp
Classification: Likely benign. Last evaluated: 2025-06-28. Review status: criteria provided, single submitter. Criteria: Invitae Variant Classification Sherloc (09022015). Collection method: clinical testing. Allele origin: germline.

Ambry Genetics
Classification: Likely benign for Inborn genetic diseases. Last evaluated: 2024-04-23. Review status: criteria provided, single submitter. Criteria: Ambry Variant Classification Scheme 2023. Collection method: clinical testing. Allele origin: germline.

Blueprint Genetics
Classification: Likely benign. Last evaluated: 2022-12-07. Review status: criteria provided, single submitter. Criteria: ACMG Guidelines, 2015. Collection method: clinical testing. Allele origin: germline.

NM_005559.4(LAMA1):c.3523G>A (p.Asp1175Asn)

Gene: LAMA1 (laminin subunit alpha 1; minus strand). Cytogenetic location: 18p11.31.
Variant type: single nucleotide variant.
Coding change: c.3523G>A on transcript NM_005559.4 (MANE Select); coding-DNA position 3523, G replaced by A.
Protein change: p.Asp1175Asn; replaces aspartic acid 1175 with asparagine.
Molecular consequence: missense variant.
Genome position (GRCh38, 1-based): chr18:7,011,464, C>T on the plus strand (G>A on the coding strand, the complement: LAMA1 is on the minus strand). VCF-style: chr18-7011464-C-T. GRCh37 (hg19) VCF-style: chr18-7011463-C-T.
Other names: short protein forms D1175N.
Identifiers: ClinVar variation 738736 (VCV000738736.13), dbSNP rs146232089, ClinGen allele CA8882240.